The following is an entry in ClinVar:

ClinVar aggregate classification (germline): Uncertain significance (1 of 4 stars; one submission).

Conditions:
Hereditary spastic paraplegia 39 (SPG39). Also called: SPASTIC PARAPLEGIA 39, AUTOSOMAL RECESSIVE; Spastic Paraplegia Type 39 (SPG39). Identifiers: Orphanet 139480, MedGen C2677586, MONDO:0012787, OMIM 612020.

gnomAD v4.1: 3 of 1,611,312 alleles (0.00019%); highest among the groups gnomAD compares: Non-Finnish European, 0.00025%; no homozygotes.

Submission:

Labcorp Genetics (formerly Invitae), Labcorp
Classification: Uncertain significance for Hereditary spastic paraplegia 39. Last evaluated: 2020-08-04. Review status: criteria provided, single submitter. Criteria: Invitae Variant Classification Sherloc (09022015). Collection method: clinical testing. Allele origin: germline.
Comment: In summary, the available evidence is currently insufficient to determine the role of this variant in disease. Therefore, it has been classified as a Variant of Uncertain Significance. Algorithms developed to predict the effect of missense changes on protein structure and function (SIFT, PolyPhen-2, Align-GVGD) all suggest that this variant is likely to be tolerated, but these predictions have not been confirmed by published functional studies and their clinical significance is uncertain. This variant has not been reported in the literature in individuals with PNPLA6-related conditions. This variant is not present in population databases (ExAC no frequency). This sequence change replaces serine with phenylalanine at codon 254 of the PNPLA6 protein (p.Ser254Phe). The serine residue is moderately conserved and there is a large physicochemical difference between serine and phenylalanine.

NM_001166114.2(PNPLA6):c.878C>T (p.Ser293Phe)

Gene: PNPLA6 (patatin like domain 6, lysophospholipase; plus strand). Cytogenetic location: 19p13.2.
Variant type: single nucleotide variant.
Coding change: c.878C>T on transcript NM_001166114.2 (MANE Select); coding-DNA position 878, C replaced by T.
Protein change: p.Ser293Phe; replaces serine 293 with phenylalanine.
Molecular consequence: missense variant.
Genome position (GRCh38, 1-based): chr19:7,541,005, C>T. VCF-style: chr19-7541005-C-T. GRCh37 (hg19) VCF-style: chr19-7605891-C-T.
Other names: c.905C>T, p.Ser302Phe (NM_001166111.2); c.761C>T, p.Ser254Phe (NM_001166112.2, NM_001166113.1, NM_006702.5); short protein forms S254F, S293F, S302F.
Identifiers: ClinVar variation 1051380 (VCV001051380.9), dbSNP rs1441967962, ClinGen allele CA403106654.